The following is an entry in ClinVar:

ClinVar aggregate classification (germline): Uncertain significance. Review status: criteria provided, multiple submitters, no conflicts (2 of 4 stars). 2 submissions from 2 submitters: Uncertain significance (2). Last evaluated 2025-05-10.

Conditions:
Cardiovascular phenotype. Identifiers: MedGen CN230736.

Submissions (2):

Ambry Genetics
Classification: Uncertain significance for Cardiovascular phenotype. Last evaluated: 2025-05-10. Review status: criteria provided, single submitter. Criteria: Ambry Variant Classification Scheme 2023. Collection method: clinical testing. Allele origin: germline.
Comment: The p.K767Q variant (also known as c.2299A>C), located in coding exon 9 of the RBM20 gene, results from an A to C substitution at nucleotide position 2299. The lysine at codon 767 is replaced by glutamine, an amino acid with similar properties. This amino acid position is conserved. In addition, the in silico prediction for this alteration is inconclusive. Based on the available evidence, the clinical significance of this variant remains unclear.

GeneDx
Classification: Uncertain significance. Last evaluated: 2025-01-14. Review status: criteria provided, single submitter. Criteria: GeneDx Variant Classification Process June 2021. Collection method: clinical testing. Allele origin: germline. Affected: yes.
Comment: Has not been previously published as pathogenic or benign to our knowledge; Not observed at significant frequency in large population cohorts (gnomAD); In silico analysis indicates that this missense variant does not alter protein structure/function

NM_001134363.3(RBM20):c.2299A>C (p.Lys767Gln)

Gene: RBM20 (RNA binding motif protein 20; plus strand). Cytogenetic location: 10q25.2.
Variant type: single nucleotide variant.
Coding change: c.2299A>C on transcript NM_001134363.3 (MANE Select); coding-DNA position 2299, A replaced by C.
Protein change: p.Lys767Gln; replaces lysine 767 with glutamine.
Molecular consequence: missense variant.
Genome position (GRCh38, 1-based): chr10:110,812,696, A>C. VCF-style: chr10-110812696-A-C. GRCh37 (hg19) VCF-style: chr10-112572454-A-C.
Other names: p.K767Q:AAG>CAG; c.2299A>C (LRG_382t1); short protein forms K767Q.
Identifiers: ClinVar variation 202068 (VCV000202068.4), dbSNP rs775075323, ClinGen allele CA335561.
Genomic context (GRCh38, chr10:110,812,696, plus strand): 5'-CACTCTGTGTCCAGCTACAAAAGCCGTGAAGACGGCTACTACCGGAAAGAGCCCAAAGCC[A>C]AGTCGGACAAGTATCTGAAGCAGCAGCAGGATGCCCCCGGGAGGTCCAGGAGGAAAGACG-3'
Protein context (NP_001127835.2, residues 757-777): DGYYRKEPKA[Lys767Gln]SDKYLKQQQD